The following is an entry in ClinVar:

ClinVar aggregate classification (germline): Uncertain significance (1 of 4 stars; one submission).

Conditions:
Immunodeficiency 19 (IMD19). Also called: SEVERE COMBINED IMMUNODEFICIENCY, T CELL-NEGATIVE, B CELL-POSITIVE, NK CELL-POSITIVE; SCID, T CELL-NEGATIVE, B CELL-POSITIVE, NK CELL-POSITIVE; IMMUNODEFICIENCY 19, SEVERE COMBINED; CD3-DELTA DEFICIENCY. Identifiers: MedGen C3810147, MONDO:0014280, OMIM 615617.

Allele frequency attached by ClinVar (database versions not stated): TOPMed 0.00001; gnomAD 0.00002; gnomAD exomes 0.00003.
gnomAD v4.1: 42 of 1,613,764 alleles (0.0026%); highest among the groups gnomAD compares: East Asian, 0.0045%; no homozygotes.

Submission:

Labcorp Genetics (formerly Invitae), Labcorp
Classification: Uncertain significance for Immunodeficiency 19. Last evaluated: 2022-07-14. Review status: criteria provided, single submitter. Criteria: Invitae Variant Classification Sherloc (09022015). Collection method: clinical testing. Allele origin: germline.
Comment: This sequence change replaces arginine, which is basic and polar, with glutamine, which is neutral and polar, at codon 153 of the CD3D protein (p.Arg153Gln). This variant is present in population databases (rs375444192, gnomAD 0.005%). This variant has not been reported in the literature in individuals affected with CD3D-related conditions. Algorithms developed to predict the effect of missense changes on protein structure and function are either unavailable or do not agree on the potential impact of this missense change (SIFT: "Tolerated"; PolyPhen-2: "Possibly Damaging"; Align-GVGD: "Class C0"). In summary, the available evidence is currently insufficient to determine the role of this variant in disease. Therefore, it has been classified as a Variant of Uncertain Significance.

NM_000732.6(CD3D):c.458G>A (p.Arg153Gln)

Gene: CD3D (CD3 delta subunit of T-cell receptor complex; minus strand). Cytogenetic location: 11q23.3.
Variant type: single nucleotide variant.
Coding change: c.458G>A on transcript NM_000732.6 (MANE Select); coding-DNA position 458, G replaced by A.
Protein change: p.Arg153Gln; replaces arginine 153 with glutamine.
Molecular consequence: missense variant.
Genome position (GRCh38, 1-based): chr11:118,339,220, C>T on the plus strand (G>A on the coding strand, the complement: CD3D is on the minus strand). VCF-style: chr11-118339220-C-T. GRCh37 (hg19) VCF-style: chr11-118209935-C-T.
Other names: c.326G>A, p.Arg109Gln (NM_001040651.2); short protein forms R109Q, R153Q.
Identifiers: ClinVar variation 2152873 (VCV002152873.1), dbSNP rs375444192, ClinGen allele CA6301845.